The following is an entry in ClinVar:

ClinVar aggregate classification (germline): Conflicting classifications of pathogenicity. Review status: criteria provided, conflicting classifications (1 of 4 stars). 2 submissions from 2 submitters: Uncertain significance (1); Likely benign (1). Last evaluated 2024-11-10.

Conditions:
Cardiovascular phenotype. Identifiers: MedGen CN230736.

Allele frequency attached by ClinVar (database versions not stated): gnomAD 0.00001.
gnomAD v4.1: 1 of 1,613,416 alleles (0.000062%); highest among the groups gnomAD compares: Admixed American, 0.0017%; no homozygotes.

Submissions (2):

Ambry Genetics
Classification: Likely benign for Cardiovascular phenotype. Last evaluated: 2024-11-10. Review status: criteria provided, single submitter. Criteria: Ambry Variant Classification Scheme 2023. Collection method: clinical testing. Allele origin: germline.

Labcorp Genetics (formerly Invitae), Labcorp
Classification: Uncertain significance. Last evaluated: 2022-08-18. Review status: criteria provided, single submitter. Criteria: Invitae Variant Classification Sherloc (09022015). Collection method: clinical testing. Allele origin: germline.
Comment: In summary, the available evidence is currently insufficient to determine the role of this variant in disease. Therefore, it has been classified as a Variant of Uncertain Significance. Algorithms developed to predict the effect of missense changes on protein structure and function output the following: SIFT: "Not Available"; PolyPhen-2: "Benign"; Align-GVGD: "Not Available". The arginine amino acid residue is found in multiple mammalian species, which suggests that this missense change does not adversely affect protein function. This variant has not been reported in the literature in individuals affected with APOA1-related conditions. This variant is not present in population databases (gnomAD no frequency). This sequence change replaces glutamine, which is neutral and polar, with arginine, which is basic and polar, at codon 151 of the APOA1 protein (p.Gln151Arg).

NM_000039.3(APOA1):c.452A>G (p.Gln151Arg)

Genes: APOA1 (apolipoprotein A1; minus strand), APOA1-AS (APOA1 antisense RNA; plus strand). Cytogenetic location: 11q23.3.
Variant type: single nucleotide variant.
Coding change: c.452A>G on transcript NM_000039.3 (MANE Select); coding-DNA position 452, A replaced by G.
Protein change: p.Gln151Arg; replaces glutamine 151 with arginine.
Molecular consequence: missense variant. On other transcripts: non-coding transcript variant (1).
Genome position (GRCh38, 1-based): chr11:116,836,160, T>C on the plus strand (A>G on the coding strand, the complement: APOA1 is on the minus strand). VCF-style: chr11-116836160-T-C. GRCh37 (hg19) VCF-style: chr11-116706876-T-C.
Other names: c.452A>G, p.Gln151Arg (NM_001318017.2, NM_001318018.2); c.125A>G, p.Gln42Arg (NM_001318021.2); short protein forms Q151R, Q42R.
Identifiers: ClinVar variation 1943822 (VCV001943822.6), dbSNP rs1941541962, ClinGen allele CA382715735.